The following is an entry in ClinVar:

ClinVar aggregate classification (germline): Uncertain significance (1 of 4 stars; one submission).

Submission:

GeneDx
Classification: Uncertain significance. Last evaluated: 2019-08-09. Review status: criteria provided, single submitter. Criteria: GeneDx Variant Classification Process June 2021. Collection method: clinical testing. Allele origin: germline. Affected: yes.
Comment: Not observed in large population cohorts (Lek et al., 2016); In silico analysis, which includes protein predictors and evolutionary conservation, supports that this variant does not alter protein structure/function; Has not been previously published as pathogenic or benign to our knowledge

NM_005886.3(KATNB1):c.847G>A (p.Asp283Asn)

Gene: KATNB1 (katanin regulatory subunit B1; plus strand). Cytogenetic location: 16q21.
Variant type: single nucleotide variant.
Coding change: c.847G>A on transcript NM_005886.3 (MANE Select); coding-DNA position 847, G replaced by A.
Protein change: p.Asp283Asn; replaces aspartic acid 283 with asparagine.
Molecular consequence: missense variant.
Genome position (GRCh38, 1-based): chr16:57,752,920, G>A. VCF-style: chr16-57752920-G-A. GRCh37 (hg19) VCF-style: chr16-57786832-G-A.
Other names: short protein forms D283N.
Identifiers: ClinVar variation 1307580 (VCV001307580.2), dbSNP rs2148795048, ClinGen allele CA396069668.
Genomic context (GRCh38, chr16:57,752,920, plus strand): 5'-CGGTGCTTTGATGTGGTCCTCGTCAACTGGGGCAAGGTGGCCGACCTGGCCATCTGCAAT[G>A]ACCAGTTGGTGAGAGAGCCATGGCACCCACCGCCCCCCACTCCCACAGGGCCACCCGCCT-3'
Protein context (NP_005877.2, residues 273-293): GKVADLAICN[Asp283Asn]QLIGVAFSQS